The following is an entry in ClinVar:

ClinVar aggregate classification (germline): Likely benign. Review status: criteria provided, multiple submitters, no conflicts (2 of 4 stars). 3 submissions from 3 submitters: Likely benign (3). Last evaluated 2026-01-28.

Allele frequency attached by ClinVar (database versions not stated): TOPMed 0.00006; gnomAD 0.00008 and 0.00009; ESP Exome Variant Server 0.00015.
gnomAD v4.1: 140 of 1,610,276 alleles (0.0087%); highest among the groups gnomAD compares: Admixed American, 0.027%; no homozygotes.

Submissions (3):

Labcorp Genetics (formerly Invitae), Labcorp
Classification: Likely benign. Last evaluated: 2026-01-28. Review status: criteria provided, single submitter. Criteria: Invitae Variant Classification Sherloc (09022015). Collection method: clinical testing. Allele origin: germline.

CeGaT Center for Human Genetics Tuebingen
Classification: Likely benign. Last evaluated: 2024-08-01. Review status: criteria provided, single submitter. Criteria: CeGaT Center For Human Genetics Tuebingen Variant Classification Criteria Version 2. Collection method: clinical testing. Allele origin: germline. Affected: yes. Observed: 1 variant allele.
Comment: RHOBTB2: BP4, BP7

Blueprint Genetics
Classification: Likely benign. Last evaluated: 2023-10-10. Review status: criteria provided, single submitter. Criteria: ACMG Guidelines, 2015. Collection method: clinical testing. Allele origin: germline.

NM_015178.3(RHOBTB2):c.2139G>A (p.Ser713=)

Gene: RHOBTB2 (Rho related BTB domain containing 2; plus strand). Cytogenetic location: 8p21.3.
Variant type: single nucleotide variant.
Coding change: c.2139G>A on transcript NM_015178.3 (MANE Select); coding-DNA position 2139, G replaced by A.
Protein change: p.Ser713=; no amino-acid change (serine 713 retained).
Molecular consequence: synonymous variant.
Genome position (GRCh38, 1-based): chr8:23,017,424, G>A. VCF-style: chr8-23017424-G-A. GRCh37 (hg19) VCF-style: chr8-22874937-G-A.
Other names: c.2205G>A, p.Ser735= (NM_001160036.2); c.2160G>A, p.Ser720= (NM_001160037.2); c.2139G>A, p.Ser713= (NM_001374791.1).
Identifiers: ClinVar variation 1612492 (VCV001612492.25), dbSNP rs138772875, ClinGen allele CA4672873.